The following is an entry in ClinVar:

NM_018122.5(DARS2):c.1094del (p.Gly365fs)

Gene: DARS2 (aspartyl-tRNA synthetase 2, mitochondrial; plus strand). Cytogenetic location: 1q25.1.
Variant type: Deletion.
Coding change: c.1094del on transcript NM_018122.5 (MANE Select); coding-DNA position 1094, one base deleted (G; older notation c.1094delG).
Protein change: p.Gly365fs; shifts the reading frame from glycine 365.
Molecular consequence: frameshift variant.
Genome position (GRCh38, 1-based): chr1:173,840,939, G deleted; the last of 2 consecutive G bases (chr1:173,840,938-173,840,939); deleting either gives the same sequence. VCF-style (leftmost placement, unchanged base first): chr1-173840937-TG-T. GRCh37 (hg19) VCF-style: chr1-173810075-TG-T.
Other names: NM_018122.5(DARS2):c.1094del; p.Gly365fs; c.1094del, p.Gly365fs (NM_001365212.1, NM_001365213.2); short protein forms G365fs.
Identifiers: ClinVar variation 503789 (VCV000503789.3), dbSNP rs1553202681, ClinGen allele CA658795566.

ClinVar aggregate classification (germline): Likely pathogenic. Review status: criteria provided, multiple submitters, no conflicts (2 of 4 stars). 2 submissions from 2 submitters: Likely pathogenic (2). Last evaluated 2025-01-21.

Conditions:
Leukoencephalopathy with brain stem and spinal cord involvement-high lactate syndrome (LBSL). Also called: Leukoencephalopathy with Brainstem and Spinal Cord Involvement and Lactate Elevation; MITOCHONDRIAL ASPARTYL-tRNA SYNTHETASE DEFICIENCY; LEUKOENCEPHALOPATHY WITH BRAINSTEM AND SPINAL CORD INVOLVEMENT AND LACTATE ELEVATION, MILD. Identifiers: Orphanet 137898, MedGen C1970180, MONDO:0012622, OMIM 611105.

Submissions (2):

Broad Center for Mendelian Genomics, Broad Institute of MIT and Harvard
Classification: Likely pathogenic for Leukoencephalopathy with brain stem and spinal cord involvement-high lactate syndrome. Last evaluated: 2025-01-21. Review status: criteria provided, single submitter. Criteria: ACMG Guidelines, 2015. Collection method: curation. Allele origin: germline. Inheritance: Autosomal recessive inheritance.
Comment: The p.Gly365GlufsTer3 variant in DARS2 has not been previously reported in the literature in individuals with leukoencephalopathy with brain stem and spinal cord involvement-high lactate syndrome, and has been identified in 0.001% (1/91058) of South Asian chromosomes by the Genome Aggregation Database (gnomAD; dbSNP rs1553202681). Although this variant has been seen in the general population in a heterozygous state, its frequency is low enough to be consistent with a recessive carrier frequency. This variant has also been reported in ClinVar (Variation ID: 503789) and has been interpreted as likely pathogenic by GeneDx. This variant is predicted to cause a frameshift, which alters the protein's amino acid sequence beginning at position 365 and leads to a premature termination codon 3 amino acids downstream. This alteration is then predicted to lead to a truncated or absent protein. Loss of function of the DARS2 gene is an established disease mechanism in autosomal recessive leukoencephalopathy with brain stem and spinal cord involvement-high lactate syndrome. In summary, although additional studies are required to fully establish its clinical significance, this variant is likely pathogenic for autosomal recessive leukoencephalopathy with brain stem and spinal cord involvement-high lactate syndrome. ACMG/AMP Criteria applied: PVS1, PM2_supporting (Richards 2015).

GeneDx
Classification: Likely pathogenic. Last evaluated: 2017-11-09. Review status: criteria provided, single submitter. Criteria: GeneDx Variant Classification (06012015). Collection method: clinical testing. Allele origin: germline. Affected: yes.
Comment: The c.1094delG variant in the DARS2 gene has not been reported previously as a pathogenic variant nor as a benign variant, to our knowledge. The c.1094delG variant causes a frameshift starting with codon Glycine 365, changes this amino acid to a Glutamic acid residue, and creates a premature Stop codon at position 3 of the new reading frame, denoted p.Gly365GlufsX3. This variant is predicted to cause loss of normal protein function either through protein truncation or nonsense-mediated mRNA decay. The c.1094delG variant is not observed in large population cohorts (Lek et al., 2016). We interpret c.1094delG as a likely pathogenic variant.